The following is an entry in ClinVar:

NM_000059.4(BRCA2):c.9434T>C (p.Val3145Ala)

Gene: BRCA2 (BRCA2 DNA repair associated; plus strand). Cytogenetic location: 13q13.1.
Variant type: single nucleotide variant.
Coding change: c.9434T>C on transcript NM_000059.4 (MANE Select); coding-DNA position 9434, T replaced by C.
Protein change: p.Val3145Ala; replaces valine 3145 with alanine.
Molecular consequence: missense variant.
Genome position (GRCh38, 1-based): chr13:32,394,866, T>C. VCF-style: chr13-32394866-T-C. GRCh37 (hg19) VCF-style: chr13-32969003-T-C.
Other names: c.9434T>C (NM_000059.3); short protein forms V3145A.
Identifiers: ClinVar variation 1766951 (VCV001766951.8), dbSNP rs2073024407, ClinGen allele CA387761554.

ClinVar aggregate classification (germline): Conflicting classifications of pathogenicity. Review status: criteria provided, conflicting classifications (1 of 4 stars). 3 submissions from 3 submitters: Uncertain significance (2); Likely benign (1). Last evaluated 2025-08-11.

Conditions:
BRCA2-related disorder. Also called: BRCA2-related condition; BRCA2-related disorders. Identifiers: MedGen CN239275.
Hereditary cancer-predisposing syndrome. Also called: Tumor predisposition; Hereditary neoplastic syndrome; Hereditary Cancer Syndrome; Neoplastic Syndromes, Hereditary. Identifiers: Orphanet 140162, MedGen C0027672, MeSH D009386, MONDO:0015356.
Hereditary breast ovarian cancer syndrome. Also called: Breast and ovarian cancer; BRCA1- and BRCA2-Associated Hereditary Breast and Ovarian Cancer; Hereditary breast and/or ovarian cancer syndrome; Hereditary breast and ovarian cancer; Hereditary breast and ovarian cancer syndrome; Hereditary breast and ovarian cancer syndrome (HBOC). Identifiers: Orphanet 145, MedGen C0677776, MeSH D061325, MONDO:0003582. Disease mechanism: loss of function.

Submissions (3):

Labcorp Genetics (formerly Invitae), Labcorp
Classification: Uncertain significance for Hereditary breast ovarian cancer syndrome. Last evaluated: 2025-08-11. Review status: criteria provided, single submitter. Criteria: Invitae Variant Classification Sherloc (09022015). Collection method: clinical testing. Allele origin: germline.
Comment: This sequence change replaces valine, which is neutral and non-polar, with alanine, which is neutral and non-polar, at codon 3145 of the BRCA2 protein (p.Val3145Ala). This variant is not present in population databases (gnomAD no frequency). This variant has not been reported in the literature in individuals affected with BRCA2-related conditions. ClinVar contains an entry for this variant (Variation ID: 1766951). Invitae Evidence Modeling of protein sequence and biophysical properties (such as structural, functional, and spatial information, amino acid conservation, physicochemical variation, residue mobility, and thermodynamic stability) indicates that this missense variant is not expected to disrupt BRCA2 protein function with a negative predictive value of 95%. In summary, the available evidence is currently insufficient to determine the role of this variant in disease. Therefore, it has been classified as a Variant of Uncertain Significance.

Ambry Genetics
Classification: Likely benign for Hereditary cancer-predisposing syndrome. Last evaluated: 2025-05-16. Review status: criteria provided, single submitter. Criteria: Ambry Variant Classification Scheme 2023. Collection method: clinical testing. Allele origin: germline.

PreventionGenetics, part of Exact Sciences
Classification: Uncertain significance for BRCA2-related condition. Last evaluated: 2025-02-21. Review status: criteria provided, single submitter. Criteria: ACMG Guidelines, 2015. Collection method: clinical testing. Allele origin: germline.
Comment: The BRCA2 c.9434T>C variant is predicted to result in the amino acid substitution p.Val3145Ala. To our knowledge, this variant has not been reported in the literature or in a large population database (gnomAD), indicating this variant is rare. This variant is interpreted as uncertain in ClinVar. At this time, the clinical significance of this variant is uncertain due to the absence of conclusive functional and genetic evidence.